The following is an entry in ClinVar:

ClinVar aggregate classification (germline): Likely pathogenic (1 of 4 stars; one submission).

Conditions:
Isolated neonatal sclerosing cholangitis (NSC). Also called: Sclerosing cholangitis, neonatal. Identifiers: Orphanet 480556, MedGen C4479344, MONDO:0018816, OMIM 617394.
Autosomal recessive nonsyndromic hearing loss 66 (DFNB66). Also called: Deafness, autosomal recessive 66. Identifiers: Orphanet 90636, MedGen C1857750, MONDO:0012442, OMIM 610212.

gnomAD v4.1: 1 of 1,612,798 alleles (0.000062%); highest among the groups gnomAD compares: South Asian, 0.0011%; no homozygotes.

Submission:

Labcorp Genetics (formerly Invitae), Labcorp
Classification: Likely pathogenic for Autosomal recessive nonsyndromic hearing loss 66; Isolated neonatal sclerosing cholangitis. Last evaluated: 2025-06-02. Review status: criteria provided, single submitter. Criteria: Invitae Variant Classification Sherloc (09022015). Collection method: clinical testing. Allele origin: germline.
Comment: This sequence change affects a donor splice site in intron 8 of the DCDC2 gene. It is expected to disrupt RNA splicing. Variants that disrupt the donor or acceptor splice site typically lead to a loss of protein function (PMID: 16199547), and loss-of-function variants in DCDC2 are known to be pathogenic (PMID: 25557784, 27319779, 27469900). This variant is present in population databases (rs776292933, gnomAD 0.003%). This variant has not been reported in the literature in individuals affected with DCDC2-related conditions. Algorithms developed to predict the effect of sequence changes on RNA splicing suggest that this variant may disrupt the consensus splice site. In summary, the currently available evidence indicates that the variant is pathogenic, but additional data are needed to prove that conclusively. Therefore, this variant has been classified as Likely Pathogenic.

Literature cited by the submitters: PubMed 16199547; PubMed 25557784; PubMed 27319779; PubMed 27469900.

NM_016356.5(DCDC2):c.1023+2T>C

Gene: DCDC2 (doublecortin domain containing 2; minus strand). Cytogenetic location: 6p22.3.
Variant type: single nucleotide variant.
Coding change: c.1023+2T>C on transcript NM_016356.5 (MANE Select); the canonical splice donor site of the intron after coding-DNA position 1023, T replaced by C.
Molecular consequence: splice donor variant.
Genome position (GRCh38, 1-based): chr6:24,205,000, A>G on the plus strand (T>C on the coding strand, the complement: DCDC2 is on the minus strand). VCF-style: chr6-24205000-A-G. GRCh37 (hg19) VCF-style: chr6-24205228-A-G.
Other names: c.1023+2T>C (NM_001195610.2).
Identifiers: ClinVar variation 4785159 (VCV004785159.1).
Genomic context (GRCh38, chr6:24,205,000, plus strand): 5'-CAAAACTTGGAAAAAAAACACTATAATTGTCTTACACATATTTTTTAAGGCATGGAGATT[A>G]CCTGATCGACTGGAACCTCAACCTGAGTATCTTCATCTTCTTGGACTTCTGCTGCCCCCC-3'